The following is an entry in ClinVar:

ClinVar aggregate classification (germline): Uncertain significance. Review status: criteria provided, multiple submitters, no conflicts (2 of 4 stars). 2 submissions from 2 submitters: Uncertain significance (2). Last evaluated 2023-02-17.

Conditions:
Mosaic variegated aneuploidy syndrome 1 (MVA1). Also called: Warburton-Anyane-Yeboa syndrome. Identifiers: Orphanet 1052, MedGen C1850343, MONDO:0009759, OMIM 257300.
Inborn genetic diseases. Identifiers: MedGen C0950123, MeSH D030342.

Allele frequency attached by ClinVar (database versions not stated): gnomAD exomes below 0.00001.
gnomAD v4.1: 4 of 1,614,186 alleles (0.00025%); highest among the groups gnomAD compares: Non-Finnish European, 0.00034%; no homozygotes.

Submissions (2):

Labcorp Genetics (formerly Invitae), Labcorp
Classification: Uncertain significance for Mosaic variegated aneuploidy syndrome 1. Last evaluated: 2023-02-17. Review status: criteria provided, single submitter. Criteria: Invitae Variant Classification Sherloc (09022015). Collection method: clinical testing. Allele origin: germline.
Comment: ClinVar contains an entry for this variant (Variation ID: 1787443). In summary, the available evidence is currently insufficient to determine the role of this variant in disease. Therefore, it has been classified as a Variant of Uncertain Significance. An algorithm developed to predict the effect of missense changes on protein structure and function (PolyPhen-2) suggests that this variant is likely to be disruptive. This variant has not been reported in the literature in individuals affected with BUB1B-related conditions. This variant is not present in population databases (gnomAD no frequency). This sequence change replaces leucine, which is neutral and non-polar, with arginine, which is basic and polar, at codon 731 of the BUB1B protein (p.Leu731Arg).

Ambry Genetics
Classification: Uncertain significance for Inborn genetic diseases. Last evaluated: 2022-07-10. Review status: criteria provided, single submitter. Criteria: Ambry Variant Classification Scheme 2023. Collection method: clinical testing. Allele origin: germline.
Comment: The p.L731R variant (also known as c.2192T>G), located in coding exon 17 of the BUB1B gene, results from a T to G substitution at nucleotide position 2192. The leucine at codon 731 is replaced by arginine, an amino acid with dissimilar properties. This amino acid position is conserved. In addition, the in silico prediction for this alteration is inconclusive. Since supporting evidence is limited at this time, the clinical significance of this alteration remains unclear.

NM_001211.6(BUB1B):c.2192T>G (p.Leu731Arg)

Gene: BUB1B (BUB1 mitotic checkpoint serine/threonine kinase B; plus strand). Cytogenetic location: 15q15.1.
Variant type: single nucleotide variant.
Coding change: c.2192T>G on transcript NM_001211.6 (MANE Select); coding-DNA position 2192, T replaced by G.
Protein change: p.Leu731Arg; replaces leucine 731 with arginine.
Molecular consequence: missense variant.
Genome position (GRCh38, 1-based): chr15:40,209,683, T>G. VCF-style: chr15-40209683-T-G. GRCh37 (hg19) VCF-style: chr15-40501884-T-G.
Other names: short protein forms L731R.
Identifiers: ClinVar variation 1787443 (VCV001787443.5), dbSNP rs2542571690, ClinGen allele CA391694305.